The following is an entry in ClinVar:

ClinVar aggregate classification (germline): Uncertain significance (1 of 4 stars; one submission).

Conditions:
Hypertrophic cardiomyopathy. Also called: HYPERTROPHIC MYOCARDIOPATHY. Identifiers: Orphanet 217569, MedGen C0007194, MeSH D002312, MONDO:0005045, HP:0001639.
Dilated cardiomyopathy with left ventricular noncompaction. Identifiers: MedGen C1853863, MeSH C565277.

Allele frequency attached by ClinVar (database versions not stated): gnomAD 0.00002; TOPMed 0.00002; gnomAD exomes 0.00004; ExAC 0.00009.
gnomAD v4.1: 58 of 1,613,088 alleles (0.0036%); highest among the groups gnomAD compares: South Asian, 0.037%; no homozygotes.

Submission:

Diagnostics Services (NGS), CSIR - Centre For Cellular And Molecular Biology
Classification: Uncertain significance for Hypertrophic cardiomyopathy; Dilated cardiomyopathy with left ventricular noncompaction. Last evaluated: 2024-03-13. Review status: criteria provided, single submitter. Criteria: ACMG Guidelines, 2015. Collection method: clinical testing. Allele origin: unknown. Observed: 1 variant allele, 1 heterozygote.
Comment: The c.2504C>T variant is not present in 1000 Genomes, EVS and our in-house exome database. The variant is present in ExAC, gnomAD and Indian Exome Database, at low frequencies. This variant has neither been published in literature with MYH7B-related conditions nor reported to clinical databases like in ClinVar, HGMD or OMIM, in any affected individuals. In-silico pathogenicity prediction programs like SIFT, MutationTaster2, CADD etc predicted this variant to be likely deleterious however these predictions were not confirmed by published functional studies.

Literature cited by the submitters: PubMed 32207065; PubMed 16938236; PubMed 23800289.

NM_020884.7(MYH7B):c.2378C>T (p.Thr793Met)

Gene: MYH7B (myosin heavy chain 7B; plus strand). Cytogenetic location: 20q11.22.
Variant type: single nucleotide variant.
Coding change: c.2378C>T on transcript NM_020884.7 (MANE Select); coding-DNA position 2378, C replaced by T.
Protein change: p.Thr793Met; replaces threonine 793 with methionine.
Molecular consequence: missense variant.
Genome position (GRCh38, 1-based): chr20:34,993,404, C>T. VCF-style: chr20-34993404-C-T. GRCh37 (hg19) VCF-style: chr20-33581207-C-T.
Other names: short protein forms T793M.
Identifiers: ClinVar variation 3251995 (VCV003251995.1), dbSNP rs773912725.